The following is an entry in ClinVar:

ClinVar aggregate classification (germline): Pathogenic. Review status: criteria provided, multiple submitters, no conflicts (2 of 4 stars). 4 submissions from 4 submitters: Pathogenic (3). 1 of the submissions does not count toward it. Last evaluated 2025-08-12.

Conditions:
TPO-related disorder. Also called: TPO-related condition.
Deficiency of iodide peroxidase (TDH2A). Also called: THYROID PEROXIDASE DEFICIENCY; HYPOTHYROIDISM, CONGENITAL, DUE TO DYSHORMONOGENESIS, 2A; IODIDE PEROXIDASE DEFICIENCY; THYROID HORMONOGENESIS, GENETIC DEFECT IN, 2A; Thyroid dyshormonogenesis 2A. Identifiers: Orphanet 95716, MedGen C1291299, MONDO:0010133, OMIM 274500.

Allele frequency attached by ClinVar (database versions not stated): ExAC 0.00001; gnomAD 0.00002; TOPMed 0.00002.
gnomAD v4.1: 28 of 1,613,956 alleles (0.0017%); highest among the groups gnomAD compares: East Asian, 0.0022%; no homozygotes.

Submissions (4):

GeneDx
Classification: Pathogenic. Last evaluated: 2025-08-12. Review status: criteria provided, single submitter. Criteria: GeneDx Variant Classification Process June 2021. Collection method: clinical testing. Allele origin: germline. Affected: yes.
Comment: Published functional studies demonstrate reduced TPO protein activity and membrane localization (PMID: 34220711); Not observed at significant frequency in large population cohorts (gnomAD); In silico analysis supports that this missense variant has a deleterious effect on protein structure/function; This variant is associated with the following publications: (PMID: 11916616, 32424871, 24790296, 34220711, 35507000, 30662777)

Women's Health and Genetics/Laboratory Corporation of America, LabCorp
Classification: Pathogenic for Deficiency of iodide peroxidase. Last evaluated: 2024-07-11. Review status: criteria provided, single submitter. Criteria: LabCorp Variant Classification Summary - May 2015. Collection method: clinical testing. Allele origin: germline.
Comment: Variant summary: TPO c.1993C>T (p.Arg665Trp) results in a non-conservative amino acid change in the encoded protein sequence. Five of five in-silico tools predict a damaging effect of the variant on protein function. The variant allele was found at a frequency of 8e-06 in 250668 control chromosomes (gnomAD). c.1993C>T has been reported in the literature in multiple individuals affected with congenital hypothyroidism (e.g. Umeki_2002, Figueiredo_2018, Zhao_2020, Rodrigues_2021, Molina_2022). These data indicate that the variant is very likely to be associated with disease. Publications report experimental evidence evaluating an impact on protein function, finding that the variant results in diminished TPO activity (Zhao_2020, Rodrigues_2021). The following publications have been ascertained in the context of this evaluation (PMID: 11916616, 34220711, 32424871, 35507000, 30662777). ClinVar contains an entry for this variant (Variation ID: 2734130). Based on the evidence outlined above, the variant was classified as pathogenic.

Labcorp Genetics (formerly Invitae), Labcorp
Classification: Pathogenic. Last evaluated: 2024-02-17. Review status: criteria provided, single submitter. Criteria: Invitae Variant Classification Sherloc (09022015). Collection method: clinical testing. Allele origin: germline.
Comment: This sequence change replaces arginine, which is basic and polar, with tryptophan, which is neutral and slightly polar, at codon 665 of the TPO protein (p.Arg665Trp). This variant is present in population databases (rs776742629, gnomAD 0.002%). This missense change has been observed in individual(s) with congenital hypothyroidism (PMID: 24790296, 34220711). In at least one individual the data is consistent with being in trans (on the opposite chromosome) from a pathogenic variant. It has also been observed to segregate with disease in related individuals. Advanced modeling of protein sequence and biophysical properties (such as structural, functional, and spatial information, amino acid conservation, physicochemical variation, residue mobility, and thermodynamic stability) has been performed at Invitae for this missense variant, however the output from this modeling did not meet the statistical confidence thresholds required to predict the impact of this variant on TPO protein function. Experimental studies have shown that this missense change affects TPO function (PMID: 11916616, 32424871, 34220711). For these reasons, this variant has been classified as Pathogenic.

PreventionGenetics, part of Exact Sciences
Classification: Likely pathogenic for TPO-related condition. Last evaluated: 2024-04-29. Review status: no assertion criteria provided. Collection method: clinical testing. Allele origin: germline. Not counted in ClinVar's aggregate classification.
Comment: The TPO c.1993C>T variant is predicted to result in the amino acid substitution p.Arg665Trp. This variant was reported in compound heterozygous individuals with congenital hypothyroidism (Umeki et al. 2002. PubMed ID: 11916616; Zhao et al. 2020. PubMed ID: 32424871; Rodrigues et al. 2021. PubMed ID: 34220711). Functional studies suggest this variant impacts TPO enzyme activity and localization (Umeki et al. 2002. PubMed ID: 11916616). This variant is reported in 0.0018% of alleles in individuals of European (Non-Finnish) descent in gnomAD. This variant is interpreted as likely pathogenic.

Literature cited by the submitters: PubMed 30662777 (cited by Women's Health and Genetics/Laboratory Corporation of America, LabCorp); PubMed 35507000 (cited by Women's Health and Genetics/Laboratory Corporation of America, LabCorp); PubMed 34220711 (cited by Women's Health and Genetics/Laboratory Corporation of America, LabCorp and Labcorp Genetics (formerly Invitae), Labcorp); PubMed 11916616 (cited by Women's Health and Genetics/Laboratory Corporation of America, LabCorp and Labcorp Genetics (formerly Invitae), Labcorp); PubMed 32424871 (cited by Women's Health and Genetics/Laboratory Corporation of America, LabCorp and Labcorp Genetics (formerly Invitae), Labcorp); PubMed 24790296 (cited by Labcorp Genetics (formerly Invitae), Labcorp).

NM_001206744.2(TPO):c.1993C>T (p.Arg665Trp)

Genes: TPO (thyroid peroxidase; plus strand), LALTOP (lung cancer associated lncRNA targeting TOP2A; minus strand). Cytogenetic location: 2p25.3.
Variant type: single nucleotide variant.
Coding change: c.1993C>T on transcript NM_001206744.2 (MANE Select); coding-DNA position 1993, C replaced by T.
Protein change: p.Arg665Trp; replaces arginine 665 with tryptophan.
Molecular consequence: missense variant.
Genome position (GRCh38, 1-based): chr2:1,494,026, C>T. VCF-style: chr2-1494026-C-T. GRCh37 (hg19) VCF-style: chr2-1497798-C-T.
Other names: c.1993C>T, p.Arg665Trp (NM_000547.6, NM_175721.3); c.1822C>T, p.Arg608Trp (NM_001206745.2, NM_175719.4); c.1474C>T, p.Arg492Trp (NM_175722.3); c.1993C>T (NM_000547.5); short protein forms R665W, R492W, R608W.
Identifiers: ClinVar variation 2734130 (VCV002734130.5), dbSNP rs776742629, ClinGen allele CA1511903.
Genomic context (GRCh38, chr2:1,494,026, plus strand): 5'-CCCAGGGCTCGGACAGGGCCCCTGTTTGCCTGTCTCATTGGGAAGCAGATGAAGGCTCTG[C>T]GGGACGGTGACTGGTACGTTCCTATCCAGAGCGTCTTCCTTCACGTTCTGCACAGAGGCA-3'
Protein context (NP_001193673.1, residues 655-675): CLIGKQMKAL[Arg665Trp]DGDWFWWENS